The following is an entry in ClinVar:

NM_007294.4(BRCA1):c.3610A>G (p.Arg1204Gly)

Genes: BRCA1 (BRCA1 DNA repair associated; minus strand), LOC126862571 (BRD4-independent group 4 enhancer GRCh37_chr17:41243136-41244335; plus strand). Cytogenetic location: 17q21.31.
Variant type: single nucleotide variant.
Coding change: c.3610A>G on transcript NM_007294.4 (MANE Select); coding-DNA position 3610, A replaced by G.
Protein change: p.Arg1204Gly; replaces arginine 1204 with glycine.
Molecular consequence: missense variant. On other transcripts: intron variant (135).
Genome position (GRCh38, 1-based): chr17:43,091,921, T>C on the plus strand (A>G on the coding strand, the complement: BRCA1 is on the minus strand). VCF-style: chr17-43091921-T-C. GRCh37 (hg19) VCF-style: chr17-41243938-T-C.
Other names: c.3397A>G, p.Arg1133Gly (NM_001407571.1, NM_001407853.1, NM_001407894.1 and 9 more transcripts); c.3610A>G, p.Arg1204Gly (NM_001407581.1, NM_001407582.1, NM_001407583.1 and 30 more transcripts); c.3607A>G, p.Arg1203Gly (NM_001407587.1, NM_001407590.1, NM_001407591.1 and 22 more transcripts); c.3601A>G, p.Arg1201Gly (NM_001407646.1, NM_001407647.1); c.3487A>G, p.Arg1163Gly (NM_001407648.1, NM_001407664.1, NM_001407665.1 and 19 more transcripts); c.3484A>G, p.Arg1162Gly (NM_001407649.1, NM_001407670.1, NM_001407671.1 and 11 more transcripts); c.3532A>G, p.Arg1178Gly (NM_001407653.1, NM_001407654.1, NM_001407655.1 and 4 more transcripts); c.3529A>G, p.Arg1177Gly (NM_001407659.1, NM_001407660.1, NM_001407661.1 and 1 more transcripts); and 41 more; short protein forms R1157G, R1204G, R1036G, R1116G, R1156G, R336G, R1136G, R1137G.
Identifiers: ClinVar variation 1011036 (VCV001011036.21), dbSNP rs2053557648, ClinGen allele CA10594749.

ClinVar aggregate classification (germline): Conflicting classifications of pathogenicity. Review status: criteria provided, conflicting classifications (1 of 4 stars). 3 submissions from 3 submitters: Uncertain significance (1); Likely benign (2). Last evaluated 2024-09-17.

Conditions:
Breast-ovarian cancer, familial, susceptibility to, 1 (BROVCA1). Also called: BRCA1 Hereditary Breast and Ovarian Cancer; OVARIAN CANCER, SUSCEPTIBILITY TO. Identifiers: Orphanet 145, MedGen C2676676, MONDO:0011450, OMIM 604370. Disease mechanism: loss of function.
Hereditary cancer-predisposing syndrome. Also called: Tumor predisposition; Hereditary Cancer Syndrome; Hereditary neoplastic syndrome; Neoplastic Syndromes, Hereditary. Identifiers: Orphanet 140162, MedGen C0027672, MeSH D009386, MONDO:0015356.
Hereditary breast ovarian cancer syndrome. Also called: Hereditary breast and ovarian cancer syndrome; Hereditary breast and ovarian cancer syndrome (HBOC); Breast and ovarian cancer; Hereditary breast and ovarian cancer; Hereditary breast and/or ovarian cancer syndrome; BRCA1- and BRCA2-Associated Hereditary Breast and Ovarian Cancer. Identifiers: Orphanet 145, MedGen C0677776, MeSH D061325, MONDO:0003582. Disease mechanism: loss of function.

Submissions (3):

Molecular Pathology, Peter Maccallum Cancer Centre
Classification: Likely benign for Breast-ovarian cancer, familial, susceptibility to, 1. Last evaluated: 2024-09-17. Review status: criteria provided, single submitter. Criteria: ACMG Guidelines, 2015. Collection method: clinical testing. Allele origin: germline. Inheritance: Autosomal dominant inheritance.

University of Washington Department of Laboratory Medicine, University of Washington
Classification: Likely benign for Hereditary cancer-predisposing syndrome. Last evaluated: 2023-03-23. Review status: criteria provided, single submitter. Criteria: Dines et al. (Genet Med. 2020). Collection method: curation. Allele origin: germline.
Comment: Missense variant in a coldspot region where missense variants are very unlikely to be pathogenic (PMID:31911673).

BRCA1 coldspot (exon 11 using historical exon numbering). Reclassification based on statistical prior probability

Labcorp Genetics (formerly Invitae), Labcorp
Classification: Uncertain significance for Hereditary breast ovarian cancer syndrome. Last evaluated: 2020-02-20. Review status: criteria provided, single submitter. Criteria: Invitae Variant Classification Sherloc (09022015). Collection method: clinical testing. Allele origin: germline.
Comment: Algorithms developed to predict the effect of missense changes on protein structure and function (SIFT, PolyPhen-2, Align-GVGD) all suggest that this variant is likely to be tolerated, but these predictions have not been confirmed by published functional studies and their clinical significance is uncertain. This variant has not been reported in the literature in individuals with BRCA1-related conditions. This variant is not present in population databases (ExAC no frequency). This sequence change replaces arginine with glycine at codon 1204 of the BRCA1 protein (p.Arg1204Gly). The arginine residue is moderately conserved and there is a moderate physicochemical difference between arginine and glycine. In summary, the available evidence is currently insufficient to determine the role of this variant in disease. Therefore, it has been classified as a Variant of Uncertain Significance.